The following is an entry in ClinVar:

ClinVar aggregate classification (germline): Uncertain significance (0 of 4 stars; one submission).

Conditions:
CDC42BPB-related disorder.

Submission:

PreventionGenetics, part of Exact Sciences
Classification: Uncertain significance for CDC42BPB-related condition. Last evaluated: 2024-04-11. Review status: no assertion criteria provided. Collection method: clinical testing. Allele origin: germline.
Comment: The CDC42BPB c.1121A>T variant is predicted to result in the amino acid substitution p.Asp374Val. To our knowledge, this variant has not been reported in the literature or in a large population database, indicating this variant is rare. At this time, the clinical significance of this variant is uncertain due to the absence of conclusive functional and genetic evidence.

NM_006035.4(CDC42BPB):c.1121A>T (p.Asp374Val)

Gene: CDC42BPB (CDC42 binding protein kinase beta; minus strand). Cytogenetic location: 14q32.32.
Variant type: single nucleotide variant.
Coding change: c.1121A>T on transcript NM_006035.4 (MANE Select); coding-DNA position 1121, A replaced by T.
Protein change: p.Asp374Val; replaces aspartic acid 374 with valine.
Molecular consequence: missense variant.
Genome position (GRCh38, 1-based): chr14:102,980,792, T>A on the plus strand (A>T on the coding strand, the complement: CDC42BPB is on the minus strand). VCF-style: chr14-102980792-T-A. GRCh37 (hg19) VCF-style: chr14-103447129-T-A.
Other names: c.1121A>T, p.Asp374Val (NM_001411054.1); short protein forms D374V.
Identifiers: ClinVar variation 3346632 (VCV003346632.1).